The following is an entry in ClinVar:

NM_007347.5(AP4E1):c.2063G>C (p.Gly688Ala)

Gene: AP4E1 (adaptor related protein complex 4 subunit epsilon 1; plus strand). Cytogenetic location: 15q21.2.
Variant type: single nucleotide variant.
Coding change: c.2063G>C on transcript NM_007347.5 (MANE Select); coding-DNA position 2063, G replaced by C.
Protein change: p.Gly688Ala; replaces glycine 688 with alanine.
Molecular consequence: missense variant.
Genome position (GRCh38, 1-based): chr15:50,984,118, G>C. VCF-style: chr15-50984118-G-C. GRCh37 (hg19) VCF-style: chr15-51276315-G-C.
Other names: c.1838G>C, p.Gly613Ala (NM_001252127.2); short protein forms G688A, G613A.
Identifiers: ClinVar variation 1946983 (VCV001946983.5), dbSNP rs2504882286, ClinGen allele CA392419107.

ClinVar aggregate classification (germline): Uncertain significance (1 of 4 stars; one submission).

Conditions:
Spastic paraplegia. Identifiers: MedGen C0037772, HP:0001258.

Submission:

Labcorp Genetics (formerly Invitae), Labcorp
Classification: Uncertain significance for Spastic paraplegia. Last evaluated: 2022-05-07. Review status: criteria provided, single submitter. Criteria: Invitae Variant Classification Sherloc (09022015). Collection method: clinical testing. Allele origin: germline.
Comment: In summary, the available evidence is currently insufficient to determine the role of this variant in disease. Therefore, it has been classified as a Variant of Uncertain Significance. Algorithms developed to predict the effect of missense changes on protein structure and function are either unavailable or do not agree on the potential impact of this missense change (SIFT: "Deleterious"; PolyPhen-2: "Benign"; Align-GVGD: "Class C0"). This variant has not been reported in the literature in individuals affected with AP4E1-related conditions. This variant is not present in population databases (gnomAD no frequency). This sequence change replaces glycine, which is neutral and non-polar, with alanine, which is neutral and non-polar, at codon 688 of the AP4E1 protein (p.Gly688Ala).